The following is an entry in ClinVar:

ClinVar aggregate classification (germline): Uncertain significance (1 of 4 stars; one submission).

Allele frequency attached by ClinVar (database versions not stated): gnomAD exomes 0.00002 and 0.00006; TOPMed 0.00002; ExAC 0.00003; gnomAD 0.00004 and 0.00005.
gnomAD v4.1: 40 of 1,578,668 alleles (0.0025%); highest among the groups gnomAD compares: Non-Finnish European, 0.0032%; no homozygotes.

Submission:

Labcorp Genetics (formerly Invitae), Labcorp
Classification: Uncertain significance. Last evaluated: 2026-01-04. Review status: criteria provided, single submitter. Criteria: Invitae Variant Classification Sherloc (09022015). Collection method: clinical testing. Allele origin: germline.
Comment: This sequence change falls in intron 3 of the RUSC2 gene. It does not directly change the encoded amino acid sequence of the RUSC2 protein. It affects a nucleotide within the consensus splice site. This variant is present in population databases (rs758772615, gnomAD 0.008%). This variant has not been reported in the literature in individuals affected with RUSC2-related conditions. ClinVar contains an entry for this variant (Variation ID: 1391000). Variants that disrupt the consensus splice site are a relatively common cause of aberrant splicing (PMID: 17576681, 9536098). Algorithms developed to predict the effect of sequence changes on RNA splicing suggest that this variant may disrupt the consensus splice site. In summary, the available evidence is currently insufficient to determine the role of this variant in disease. Therefore, it has been classified as a Variant of Uncertain Significance.

Literature cited by the submitters: PubMed 17576681; PubMed 9536098.

NM_014806.5(RUSC2):c.2656+5G>A

Gene: RUSC2 (RUN and SH3 domain containing 2; plus strand). Cytogenetic location: 9p13.3.
Variant type: single nucleotide variant.
Coding change: c.2656+5G>A on transcript NM_014806.5 (MANE Select); 5 bases into the intron after coding-DNA position 2656, G replaced by A.
Molecular consequence: intron variant.
Genome position (GRCh38, 1-based): chr9:35,555,706, G>A. VCF-style: chr9-35555706-G-A. GRCh37 (hg19) VCF-style: chr9-35555703-G-A.
Other names: c.22+5G>A (NM_001330740.2); c.2656+5G>A (NM_001135999.2).
Identifiers: ClinVar variation 1391000 (VCV001391000.6), dbSNP rs758772615, ClinGen allele CA5043917.
Genomic context (GRCh38, chr9:35,555,706, plus strand): 5'-AGAGAGCCTGGCCCGGGGAGGTGGTGAGGGCAGCATGGCCACCAGGCCCAGTAATGGTAC[G>A]AGCTCCAGCATCTCCCTACCCAACCCGCCACCTCACGCAAGCACTTCCACCACCTCCCCT-3'